The following is an entry in ClinVar:

NM_001103.4(ACTN2):c.876+6G>A

Gene: ACTN2 (actinin alpha 2; plus strand). Cytogenetic location: 1q43.
Variant type: single nucleotide variant.
Coding change: c.876+6G>A on transcript NM_001103.4 (MANE Select); 6 bases into the intron after coding-DNA position 876, G replaced by A.
Molecular consequence: intron variant.
Genome position (GRCh38, 1-based): chr1:236,737,220, G>A. VCF-style: chr1-236737220-G-A. GRCh37 (hg19) VCF-style: chr1-236900520-G-A.
Other names: c.252+6G>A (NM_001278344.2); c.876+6G>A (NM_001278343.2).
Identifiers: ClinVar variation 1055635 (VCV001055635.9), dbSNP rs1658906175, ClinGen allele CA2487043181.
Genomic context (GRCh38, chr1:236,737,220, plus strand): 5'-TGTGAATCAAGAGAATGAGAGGCTGATGGAAGAATATGAGAGGCTAGCGAGTGAGGTAAA[G>A]GAAACTGGTGACCTGCAGTTCTGTCCATCCTCACGCAGGGGCTGAGGCACAGAGGGTGAA-3'

ClinVar aggregate classification (germline): Uncertain significance (1 of 4 stars; one submission).

Conditions:
Primary familial hypertrophic cardiomyopathy (HCM). Identifiers: Orphanet 99739, MedGen C0949658, MeSH D024741, MONDO:0024573. Inheritance: Various modes of inheritance.
Dilated cardiomyopathy 1AA (CMD1AA). Also called: Cardiomyopathy, dilated, 1AA, with or without LVNC; CARDIOMYOPATHY, DILATED, 1AA, WITH OR WITHOUT LEFT VENTRICULAR NONCOMPACTION; CARDIOMYOPATHY, FAMILIAL HYPERTROPHIC, 23, WITH OR WITHOUT LEFT VENTRICULAR NONCOMPACTION. Identifiers: Orphanet 154, MedGen C2677338, MONDO:0012808, OMIM 612158.

Allele frequency attached by ClinVar (database versions not stated): TOPMed below 0.00001.

Submission:

Labcorp Genetics (formerly Invitae), Labcorp
Classification: Uncertain significance for Primary familial hypertrophic cardiomyopathy; Dilated cardiomyopathy 1AA. Last evaluated: 2024-04-24. Review status: criteria provided, single submitter. Criteria: Invitae Variant Classification Sherloc (09022015). Collection method: clinical testing. Allele origin: germline.
Comment: This sequence change falls in intron 9 of the ACTN2 gene. It does not directly change the encoded amino acid sequence of the ACTN2 protein. It affects a nucleotide within the consensus splice site. This variant is not present in population databases (gnomAD no frequency). This variant has not been reported in the literature in individuals affected with ACTN2-related conditions. ClinVar contains an entry for this variant (Variation ID: 1055635). Variants that disrupt the consensus splice site are a relatively common cause of aberrant splicing (PMID: 17576681, 9536098). Algorithms developed to predict the effect of sequence changes on RNA splicing suggest that this variant is not likely to affect RNA splicing. In summary, the available evidence is currently insufficient to determine the role of this variant in disease. Therefore, it has been classified as a Variant of Uncertain Significance.

Literature cited by the submitters: PubMed 17576681; PubMed 9536098.